The following is an entry in ClinVar:

ClinVar aggregate classification (germline): Uncertain significance (1 of 4 stars; one submission).

Conditions:
Hereditary cancer-predisposing syndrome. Also called: Neoplastic Syndromes, Hereditary; Tumor predisposition; Hereditary neoplastic syndrome; Hereditary Cancer Syndrome. Identifiers: Orphanet 140162, MedGen C0027672, MeSH D009386, MONDO:0015356.

Submission:

Ambry Genetics
Classification: Uncertain significance for Hereditary cancer-predisposing syndrome. Last evaluated: 2026-09-10. Review status: criteria provided, single submitter. Criteria: Ambry Variant Classification Scheme 2023. Collection method: clinical testing. Allele origin: germline.
Comment: The p.N902Y variant (also known as c.2704A>T), located in coding exon 11 of the MET gene, results from an A to T substitution at nucleotide position 2704. The asparagine at codon 902 is replaced by tyrosine, an amino acid with dissimilar properties. This amino acid position is not well conserved in available vertebrate species. In addition, this alteration is predicted to be tolerated by in silico analysis. Based on the available evidence, the clinical significance of this variant remains unclear.

NM_000245.4(MET):c.2650A>T (p.Asn884Tyr)

Gene: MET (MET proto-oncogene, receptor tyrosine kinase; plus strand). Cytogenetic location: 7q31.2.
Variant type: single nucleotide variant.
Coding change: c.2650A>T on transcript NM_000245.4 (MANE Select); coding-DNA position 2650, A replaced by T.
Protein change: p.Asn884Tyr; replaces asparagine 884 with tyrosine.
Molecular consequence: missense variant.
Genome position (GRCh38, 1-based): chr7:116,769,711, A>T. VCF-style: chr7-116769711-A-T. GRCh37 (hg19) VCF-style: chr7-116409765-A-T.
Other names: c.2650A>T, p.Asn884Tyr (NM_001324401.3); c.1360A>T, p.Asn454Tyr (NM_001324402.2); c.2704A>T, p.Asn902Tyr (NM_001127500.3); short protein forms N884Y, N454Y, N902Y.
Identifiers: ClinVar variation 5024433 (VCV005024433.1).